The following is an entry in ClinVar:

NM_172107.4(KCNQ2):c.2196del (p.Val733fs)

Gene: KCNQ2 (potassium voltage-gated channel subfamily Q member 2; minus strand). Cytogenetic location: 20q13.33.
Variant type: Deletion.
Coding change: c.2196del on transcript NM_172107.4 (MANE Select); coding-DNA position 2196, one base deleted (C; older notation c.2196delC).
Protein change: p.Val733fs; shifts the reading frame from valine 733.
Molecular consequence: frameshift variant.
Genome position (GRCh38, 1-based): chr20:63,407,067, G deleted on the plus strand (C on the coding strand, the reverse complement: KCNQ2 is on the minus strand); the first of 5 consecutive G bases (chr20:63,407,067-63,407,071); deleting any one gives the same sequence. VCF-style (leftmost placement, unchanged base first): chr20-63407066-CG-C. GRCh37 (hg19) VCF-style: chr20-62038419-CG-C.
Other names: c.2250del, p.Val751fs (NM_001382235.1); c.2112del, p.Val705fs (NM_004518.6); c.2142del, p.Val715fs (NM_172106.3); c.2103del, p.Val702fs (NM_172108.5); short protein forms V705fs, V733fs, V702fs, V715fs, V751fs.
Identifiers: ClinVar variation 2808862 (VCV002808862.3), dbSNP rs2516099742, ClinGen allele CA2653805416.

ClinVar aggregate classification (germline): Pathogenic (1 of 4 stars; one submission).

Conditions:
Early-infantile DEE. Also called: Early infantile epileptic encephalopathy; Early infantile epileptic encephalopathy with suppression bursts; Ohtahara syndrome. Identifiers: Orphanet 1934, MedGen C0393706, MONDO:0800491.

Submission:

Labcorp Genetics (formerly Invitae), Labcorp
Classification: Pathogenic for Early-infantile DEE. Last evaluated: 2022-10-24. Review status: criteria provided, single submitter. Criteria: Invitae Variant Classification Sherloc (09022015). Collection method: clinical testing. Allele origin: germline.
Comment: This variant is not present in population databases (gnomAD no frequency). For these reasons, this variant has been classified as Pathogenic. This variant results in an extension of the KCNQ2 protein. Other variant(s) that result in a similarly extended protein product (p.Gly866Alafs*64) have been determined to be pathogenic (PMID: 10482260, 21937445). This suggests that these extensions are likely to be disease-causing. This variant has not been reported in the literature in individuals affected with KCNQ2-related conditions. This sequence change results in a frameshift in the KCNQ2 gene (p.Val733Trpfs*197). While this is not anticipated to result in nonsense mediated decay, it is expected to disrupt the last 140 amino acid(s) of the KCNQ2 protein and extend the protein by 56 additional amino acid residues.

Literature cited by the submitters: PubMed 10482260; PubMed 21937445.